The following is an entry in ClinVar:

NM_006265.3(RAD21):c.1705-2A>G

Gene: RAD21 (RAD21 cohesin complex component; minus strand). Cytogenetic location: 8q24.11.
Variant type: single nucleotide variant.
Coding change: c.1705-2A>G on transcript NM_006265.3 (MANE Select); the canonical splice acceptor site of the intron before coding-DNA position 1705, A replaced by G.
Molecular consequence: splice acceptor variant.
Genome position (GRCh38, 1-based): chr8:116,847,693, T>C on the plus strand (A>G on the coding strand, the complement: RAD21 is on the minus strand). VCF-style: chr8-116847693-T-C. GRCh37 (hg19) VCF-style: chr8-117859932-T-C.
Identifiers: ClinVar variation 2705915 (VCV002705915.3), dbSNP rs2537283456, ClinGen allele CA371990773.
Genomic context (GRCh38, chr8:116,847,693, plus strand): 5'-GTATTTCGACATAACTCAAGCAAACTGATAGATTCAGCTCCAGTTTTAGCAAGAGCACGC[T>C]GAAATAAAACCAAAAAAGGGTAACTTAATCTGTATAATAAAGTAGTAATTCAGTGAGGAT-3'

ClinVar aggregate classification (germline): Uncertain significance (1 of 4 stars; one submission).

Conditions:
Cornelia de Lange syndrome 4 (CDLS4). Also called: RAD21-Related Cornelia de Lange Syndrome; CORNELIA DE LANGE SYNDROME 4 WITH OR WITHOUT MIDLINE BRAIN DEFECTS. Identifiers: Orphanet 199, MedGen C3553517, MONDO:0013864, OMIM 614701.

Submission:

Labcorp Genetics (formerly Invitae), Labcorp
Classification: Uncertain significance for Cornelia de Lange syndrome 4. Last evaluated: 2023-12-27. Review status: criteria provided, single submitter. Criteria: Invitae Variant Classification Sherloc (09022015). Collection method: clinical testing. Allele origin: germline.
Comment: This sequence change affects an acceptor splice site in intron 13 of the RAD21 gene. While this variant is not anticipated to result in nonsense mediated decay, it likely alters RNA splicing and results in a disrupted protein product. This variant is not present in population databases (gnomAD no frequency). This variant has not been reported in the literature in individuals affected with RAD21-related conditions. Variants that disrupt the consensus splice site are a relatively common cause of aberrant splicing (PMID: 17576681, 9536098). Algorithms developed to predict the effect of sequence changes on RNA splicing suggest that this variant may disrupt the consensus splice site. In summary, the available evidence is currently insufficient to determine the role of this variant in disease. Therefore, it has been classified as a Variant of Uncertain Significance.

Literature cited by the submitters: PubMed 17576681; PubMed 9536098.